The following is an entry in ClinVar:

NM_170784.3(MKKS):c.515_516del (p.Glu172fs)

Gene: MKKS (MKKS centrosomal shuttling protein; minus strand). Cytogenetic location: 20p12.2.
Variant type: Microsatellite.
Coding change: c.515_516del on transcript NM_170784.3 (MANE Select); coding-DNA positions 515 to 516, 2 bases deleted (AG; older notation c.515_516delAG).
Protein change: p.Glu172fs; shifts the reading frame from glutamic acid 172.
Molecular consequence: frameshift variant.
Genome position (GRCh38, 1-based): chr20:10,412,999-10,413,000, CT deleted on the plus strand (AG on the coding strand, the reverse complement: MKKS is on the minus strand); deleting any 2 consecutive bases within chr20:10,412,999-10,413,002 gives the same sequence; the c. name uses the placement nearest the transcript's 3' end. VCF-style (leftmost placement, unchanged base first): chr20-10412998-GCT-G. GRCh37 (hg19) VCF-style: chr20-10393646-GCT-G.
Other names: c.515_516del, p.Glu172fs (NM_018848.3); c.515_516delAG (NM_018848.3, NM_018848.2); short protein forms E172fs.
Identifiers: ClinVar variation 1457941 (VCV001457941.13), dbSNP rs2064904675, ClinGen allele CA2349780907.
Genomic context (GRCh38, chr20:10,412,998, plus strand): 5'-GGCCTTCAGCATTTTCTGGAATTGTAAGCAAAAAGGCTCTCAGGATCAAAGCACTGACAT[GCT>G]CTGTTTCCTTTCTGGTGAGCATACAGGCAGGTTTACTTGTTAATATACTACGCACCAAAC-3'

ClinVar aggregate classification (germline): Pathogenic/Likely pathogenic. Review status: criteria provided, multiple submitters, no conflicts (2 of 4 stars). 6 submissions from 6 submitters: Pathogenic (4); Likely pathogenic (2). Last evaluated 2026-07-11.

Conditions:
Inborn genetic diseases. Identifiers: MedGen C0950123, MeSH D030342.
Bardet-Biedl syndrome 6 (BBS6). Identifiers: Orphanet 110, MedGen C1858054, MONDO:0011523, OMIM 605231.
MKKS-related disorder. Also called: MKKS-related disorders; MKKS-related condition.
McKusick-Kaufman syndrome (MKKS). Also called: HYDROMETROCOLPOS SYNDROME; HYDROMETROCOLPOS, POSTAXIAL POLYDACTYLY, AND CONGENITAL HEART MALFORMATION. Identifiers: Orphanet 2473, MedGen C0948368, MONDO:0009367, OMIM 236700.
Bardet-Biedl syndrome (BBS). Identifiers: Orphanet 110, MedGen C0752166, MONDO:0015229.

Submissions (6):

PreventionGenetics, part of Exact Sciences
Classification: Pathogenic for MKKS-related condition. Last evaluated: 2026-07-11. Review status: criteria provided, single submitter. Criteria: ACMG Guidelines, 2015. Collection method: clinical testing. Allele origin: germline.
Comment: The MKKS c.515_516delAG variant is predicted to result in a frameshift and premature protein termination (p.Glu172Alafs*19). This variant has been reported with a second MKKS variant in an individual with Bardet-Biedl syndrome (Rustad et al. 2025. PubMed ID: 40087798). This variant is not reported in a large population database (gnomAD), indicating this variant is rare. Frameshift variants in MKKS are expected to be pathogenic. This variant is interpreted as pathogenic.

Labcorp Genetics (formerly Invitae), Labcorp
Classification: Pathogenic for McKusick-Kaufman syndrome; Bardet-Biedl syndrome. Last evaluated: 2025-08-21. Review status: criteria provided, single submitter. Criteria: Invitae Variant Classification Sherloc (09022015). Collection method: clinical testing. Allele origin: germline.
Comment: This sequence change creates a premature translational stop signal (p.Glu172Alafs*19) in the MKKS gene. It is expected to result in an absent or disrupted protein product. Loss-of-function variants in MKKS are known to be pathogenic (PMID: 11179009, 28761321, 30614526). This variant is not present in population databases (gnomAD no frequency). This variant has not been reported in the literature in individuals affected with MKKS-related conditions. ClinVar contains an entry for this variant (Variation ID: 1457941). For these reasons, this variant has been classified as Pathogenic.

Ambry Genetics
Classification: Pathogenic for Inborn genetic diseases. Last evaluated: 2025-04-17. Review status: criteria provided, single submitter. Criteria: Ambry Variant Classification Scheme 2023. Collection method: clinical testing. Allele origin: germline.
Comment: The c.515_516delAG (p.E172Afs*19) alteration, located in exon 3 (coding exon 1) of the MKKS gene, consists of a deletion of 2 nucleotides from position 515 to 516, causing a translational frameshift with a predicted alternate stop codon after 19 amino acids. This alteration is expected to result in loss of function by premature protein truncation or nonsense-mediated mRNA decay. This variant was not reported in population-based cohorts in the Genome Aggregation Database (gnomAD). This variant has been identified in conjunction with other MKKS variant(s) in individual(s) with features consistent with MKKS-related ciliopathy (Rustad, 2025). Based on the available evidence, this alteration is classified as pathogenic.

Genomic Research Center, Shahid Beheshti University of Medical Sciences
Classification: Pathogenic for Bardet-Biedl syndrome 6. Last evaluated: 2024-10-08. Review status: criteria provided, single submitter. Criteria: ACMG Guidelines, 2015. Collection method: clinical testing. Allele origin: inherited. Inheritance: Autosomal recessive inheritance. Affected: yes.
Comment: This is a frameshift variant in MKKS which is predicted to result in creates a premature translational stop signal . The NM_170784.3:c.515_516del results in a premature termination codon in the MKKS gene, predicted to cause a truncation of the encoded protein or absence of the protein due to nonsense mediated decay, which are commonly known mechanisms for disease. This variant is not present in population databases (gnomAD no frequency). This variant has not been reported in the literature in individuals affected with MKKS-related conditions. ClinVar contains an entry for this variant (Variation ID: 1457941). For these reasons, this variant has been classified as Pathogenic.

Baylor Genetics
Classification: Likely pathogenic for Bardet-Biedl syndrome 6. Last evaluated: 2022-10-24. Review status: criteria provided, single submitter. Criteria: ACMG Guidelines, 2015. Collection method: clinical testing. Allele origin: unknown.

Women's Health and Genetics/Laboratory Corporation of America, LabCorp
Classification: Likely pathogenic for Bardet-Biedl syndrome. Last evaluated: 2022-09-26. Review status: criteria provided, single submitter. Criteria: LabCorp Variant Classification Summary - May 2015. Collection method: clinical testing. Allele origin: germline.
Comment: Variant summary: MKKS c.515_516delAG (p.Glu172AlafsX19) results in a premature termination codon, predicted to cause a truncation of the encoded protein or absence of the protein due to nonsense mediated decay, which are commonly known mechanisms for disease. Truncations downstream of this position have been reported in association with Bardet-Biedl syndrome in HGMD. The variant was absent in 251078 control chromosomes. To our knowledge, no occurrence of c.515_516delAG in individuals affected with Bardet-Biedl Syndrome and no experimental evidence demonstrating its impact on protein function have been reported. One clinical diagnostic laboratory has submitted clinical-significance assessments for this variant to ClinVar after 2014 and classified the variant as pathogenic. Based on the evidence outlined above, the variant was classified as likely pathogenic.

Literature cited by the submitters: PubMed 11179009 (cited by Labcorp Genetics (formerly Invitae), Labcorp); PubMed 28761321 (cited by Labcorp Genetics (formerly Invitae), Labcorp); PubMed 30614526 (cited by Labcorp Genetics (formerly Invitae), Labcorp); PubMed 40087798 (cited by Ambry Genetics).